The following is an entry in ClinVar:

ClinVar aggregate classification (germline): Uncertain significance (1 of 4 stars; one submission).

Allele frequency attached by ClinVar (database versions not stated): gnomAD 0.00001; gnomAD exomes 0.00001; TOPMed 0.00001.
gnomAD v4.1: 8 of 1,609,492 alleles (0.0005%); highest among the groups gnomAD compares: Non-Finnish European, 0.00068%; no homozygotes.

Submission:

Labcorp Genetics (formerly Invitae), Labcorp
Classification: Uncertain significance. Last evaluated: 2021-10-06. Review status: criteria provided, single submitter. Criteria: Invitae Variant Classification Sherloc (09022015). Collection method: clinical testing. Allele origin: germline.
Comment: In summary, the available evidence is currently insufficient to determine the role of this variant in disease. Therefore, it has been classified as a Variant of Uncertain Significance. Algorithms developed to predict the effect of missense changes on protein structure and function are either unavailable or do not agree on the potential impact of this missense change (SIFT: "Deleterious"; PolyPhen-2: "Benign"; Align-GVGD: "Class C0"). This variant has not been reported in the literature in individuals affected with SEPT9-related conditions. This variant is not present in population databases (ExAC no frequency). This sequence change replaces glutamic acid with glycine at codon 560 of the SEPT9 protein (p.Glu560Gly). The glutamic acid residue is moderately conserved and there is a moderate physicochemical difference between glutamic acid and glycine.

NM_001113491.2(SEPTIN9):c.1733A>G (p.Glu578Gly)

Gene: SEPTIN9 (septin 9; plus strand). Cytogenetic location: 17q25.3.
Variant type: single nucleotide variant.
Coding change: c.1733A>G on transcript NM_001113491.2 (MANE Select); coding-DNA position 1733, A replaced by G.
Protein change: p.Glu578Gly; replaces glutamic acid 578 with glycine.
Molecular consequence: missense variant.
Genome position (GRCh38, 1-based): chr17:77,498,630, A>G. VCF-style: chr17-77498630-A-G. GRCh37 (hg19) VCF-style: chr17-75494712-A-G.
Other names: c.1241A>G, p.Glu414Gly (NM_001113492.2, NM_001113494.1); c.1712A>G, p.Glu571Gly (NM_001113493.2); c.980A>G, p.Glu327Gly (NM_001113495.2, NM_001113496.2, NM_001293697.2 and 1 more transcripts); c.1676A>G, p.Glu559Gly (NM_001293695.2); c.1061A>G, p.Glu354Gly (NM_001293696.2); c.1679A>G, p.Glu560Gly (NM_006640.5); short protein forms E327G, E354G, E414G, E559G, E560G, E571G, E578G.
Identifiers: ClinVar variation 1682685 (VCV001682685.5), dbSNP rs1449326904, ClinGen allele CA401205367.
Genomic context (GRCh38, chr17:77,498,630, plus strand): 5'-AGGCGTACCGTGTGAAGCGCCTCAACGAGGGCAGCAGCGCCATGGCCAACGGCATGGAGG[A>G]GAAGGAGCCAGAAGCCCCGGAGATGTAGACGCCACCCTGCCCACCCCCGGGATCCTGCCC-3'
Protein context (NP_001106963.1, residues 568-586): GSSAMANGME[Glu578Gly]KEPEAPEM